The following is an entry in ClinVar:

NM_000038.6(APC):c.4122A>G (p.Glu1374=)

Gene: APC (APC regulator of Wnt signaling pathway; plus strand). Cytogenetic location: 5q22.2.
Variant type: single nucleotide variant.
Coding change: c.4122A>G on transcript NM_000038.6 (MANE Select); coding-DNA position 4122, A replaced by G.
Protein change: p.Glu1374=; no amino-acid change (glutamic acid 1374 retained).
Molecular consequence: synonymous variant.
Genome position (GRCh38, 1-based): chr5:112,839,716, A>G. VCF-style: chr5-112839716-A-G. GRCh37 (hg19) VCF-style: chr5-112175413-A-G.
Other names: c.4122A>G, p.Glu1374= (NM_001127510.3, NM_001354895.2); c.4068A>G, p.Glu1356= (NM_001127511.3); c.4176A>G, p.Glu1392= (NM_001354896.2); c.4152A>G, p.Glu1384= (NM_001354897.2); c.4047A>G, p.Glu1349= (NM_001354898.2); c.4038A>G, p.Glu1346= (NM_001354899.2); c.3999A>G, p.Glu1333= (NM_001354900.2); c.3945A>G, p.Glu1315= (NM_001354901.2); and 5 more.
Identifiers: ClinVar variation 824607 (VCV000824607.20), dbSNP rs767619059, ClinGen allele CA037670.

ClinVar aggregate classification (germline): Benign/Likely benign. Review status: criteria provided, multiple submitters, no conflicts (2 of 4 stars). 4 submissions from 4 submitters: Benign (1); Likely benign (3). Last evaluated 2025-08-01.

Conditions:
Hereditary cancer-predisposing syndrome. Also called: Tumor predisposition; Hereditary neoplastic syndrome; Neoplastic Syndromes, Hereditary; Hereditary Cancer Syndrome. Identifiers: Orphanet 140162, MedGen C0027672, MeSH D009386, MONDO:0015356.
Familial adenomatous polyposis 1 (FAP1). Also called: POLYPOSIS, ADENOMATOUS INTESTINAL; FAMILIAL ADENOMATOUS POLYPOSIS 1, ATTENUATED. Identifiers: MedGen C2713442, MONDO:0021056, OMIM 175100. Disease mechanism: loss of function.

Allele frequency attached by ClinVar (database versions not stated): gnomAD 0.00001; gnomAD exomes 0.00001; ExAC 0.00002.
gnomAD v4.1: 5 of 1,614,034 alleles (0.00031%); highest among the groups gnomAD compares: South Asian, 0.0033%; no homozygotes.

Submissions (4):

CeGaT Center for Human Genetics Tuebingen
Classification: Likely benign. Last evaluated: 2025-08-01. Review status: criteria provided, single submitter. Criteria: CeGaT Center For Human Genetics Tuebingen Variant Classification Criteria Version 2. Collection method: clinical testing. Allele origin: germline. Affected: yes. Observed: 1 variant allele.
Comment: APC: BP4, BP7

Labcorp Genetics (formerly Invitae), Labcorp
Classification: Likely benign for Familial adenomatous polyposis 1. Last evaluated: 2024-09-23. Review status: criteria provided, single submitter. Criteria: Invitae Variant Classification Sherloc (09022015). Collection method: clinical testing. Allele origin: germline.

Myriad Genetics, Inc.
Classification: Benign for Familial adenomatous polyposis 1. Last evaluated: 2024-03-25. Review status: criteria provided, single submitter. Criteria: Myriad Autosomal Dominant, Autosomal Recessive and X-Linked Classification Criteria (2023). Collection method: clinical testing. Allele origin: unknown.
Comment: This variant is considered benign. This variant is a silent/synonymous amino acid change and it is not expected to impact splicing.

Ambry Genetics
Classification: Likely benign for Hereditary cancer-predisposing syndrome. Last evaluated: 2019-02-09. Review status: criteria provided, single submitter. Criteria: Ambry Variant Classification Scheme 2023. Collection method: clinical testing. Allele origin: germline.